The following is an entry in ClinVar:

ClinVar aggregate classification (germline): Likely benign (0 of 4 stars; one submission).

Conditions:
CHAMP1-related disorder. Also called: CHAMP1-related condition.

Allele frequency attached by ClinVar (database versions not stated): gnomAD exomes 0.00001; ExAC 0.00002; gnomAD 0.00002; TOPMed 0.00004.
gnomAD v4.1: 24 of 1,614,016 alleles (0.0015%); highest among the groups gnomAD compares: Middle Eastern, 0.016%; no homozygotes.

Submission:

PreventionGenetics, part of Exact Sciences
Classification: Likely benign for CHAMP1-related condition. Last evaluated: 2019-09-18. Review status: no assertion criteria provided. Collection method: clinical testing. Allele origin: germline.
Comment: This variant is classified as likely benign based on ACMG/AMP sequence variant interpretation guidelines (Richards et al. 2015 PMID: 25741868, with internal and published modifications).

NM_032436.4(CHAMP1):c.1266C>T (p.Pro422=)

Gene: CHAMP1 (chromosome alignment maintaining phosphoprotein 1; plus strand). Cytogenetic location: 13q34.
Variant type: single nucleotide variant.
Coding change: c.1266C>T on transcript NM_032436.4 (MANE Select); coding-DNA position 1266, C replaced by T.
Protein change: p.Pro422=; no amino-acid change (proline 422 retained).
Molecular consequence: synonymous variant.
Genome position (GRCh38, 1-based): chr13:114,325,108, C>T. VCF-style: chr13-114325108-C-T. GRCh37 (hg19) VCF-style: chr13-115090583-C-T.
Other names: c.1266C>T, p.Pro422= (NM_001164144.3, NM_001164145.3).
Identifiers: ClinVar variation 3040024 (VCV003040024.2), dbSNP rs782283006, ClinGen allele CA7070775.